The following is an entry in ClinVar:

NM_006186.4(NR4A2):c.1118T>G (p.Val373Gly)

Gene: NR4A2 (nuclear receptor subfamily 4 group A member 2; minus strand). Cytogenetic location: 2q24.1.
Variant type: single nucleotide variant.
Coding change: c.1118T>G on transcript NM_006186.4 (MANE Select); coding-DNA position 1118, T replaced by G.
Protein change: p.Val373Gly; replaces valine 373 with glycine.
Molecular consequence: missense variant.
Genome position (GRCh38, 1-based): chr2:156,327,891, A>C on the plus strand (T>G on the coding strand, the complement: NR4A2 is on the minus strand). VCF-style: chr2-156327891-A-C. GRCh37 (hg19) VCF-style: chr2-157184403-A-C.
Other names: c.929T>G, p.Val310Gly (NM_173173.3); short protein forms V310G, V373G.
Identifiers: ClinVar variation 1700519 (VCV001700519.2), dbSNP rs1289927267, ClinGen allele CA348680921.

ClinVar aggregate classification (germline): Uncertain significance (1 of 4 stars; one submission).

Submission:

GeneDx
Classification: Uncertain significance. Last evaluated: 2022-08-04. Review status: criteria provided, single submitter. Criteria: GeneDx Variant Classification Process June 2021. Collection method: clinical testing. Allele origin: germline. Affected: yes.
Comment: Not observed at significant frequency in large population cohorts (gnomAD); In silico analysis supports that this missense variant has a deleterious effect on protein structure/function; Has not been previously published as pathogenic or benign to our knowledge